The following is an entry in ClinVar:

ClinVar aggregate classification (germline): Benign. Review status: criteria provided, multiple submitters, no conflicts (2 of 4 stars). 3 submissions from 3 submitters: Benign (2). 1 of the submissions does not count toward it. Last evaluated 2019-12-31.

Conditions:
GK-related disorder. Also called: GK-related condition.

Allele frequency attached by ClinVar (database versions not stated): gnomAD exomes 0.00039 and 0.00120; ExAC 0.00164; gnomAD 0.00363 and 0.00385; TOPMed 0.00425; ESP Exome Variant Server 0.00474; 1000 Genomes Project 0.00768; 1000 Genomes Project 30x 0.00791.
gnomAD v4.1: 812 of 1,131,463 alleles (0.072%); highest among the groups gnomAD compares: African/African-American, 1.3%; 2 homozygotes.

Submissions (3):

Labcorp Genetics (formerly Invitae), Labcorp
Classification: Benign. Last evaluated: 2019-12-31. Review status: criteria provided, single submitter. Criteria: Invitae Variant Classification Sherloc (09022015). Collection method: clinical testing. Allele origin: germline.

Breakthrough Genomics
Classification: Benign. Review status: criteria provided, single submitter. Criteria: ACMG Guidelines, 2015. Collection method: not provided. Allele origin: germline. Inheritance: X-linked inheritance. Affected: yes.

PreventionGenetics, part of Exact Sciences
Classification: Benign for GK-related condition. Last evaluated: 2020-04-14. Review status: no assertion criteria provided. Collection method: clinical testing. Allele origin: germline. Not counted in ClinVar's aggregate classification.
Comment: This variant is classified as benign based on ACMG/AMP sequence variant interpretation guidelines (Richards et al. 2015 PMID: 25741868, with internal and published modifications).

NM_001205019.2(GK):c.186T>C (p.His62=)

Gene: GK (glycerol kinase; plus strand). Cytogenetic location: Xp21.2.
Variant type: single nucleotide variant.
Coding change: c.186T>C on transcript NM_001205019.2 (MANE Select); coding-DNA position 186, T replaced by C.
Protein change: p.His62=; no amino-acid change (histidine 62 retained).
Molecular consequence: synonymous variant.
Genome position (GRCh38, 1-based): chrX:30,668,045, T>C. VCF-style: chrX-30668045-T-C. GRCh37 (hg19) VCF-style: chrX-30686162-T-C.
Other names: c.186T>C, p.His62= (NM_000167.6, NM_001128127.3, NM_203391.4); c.186T>C (NM_001128127.2).
Identifiers: ClinVar variation 711787 (VCV000711787.7), dbSNP rs45537438, ClinGen allele CA10376599.